The following is an entry in ClinVar:

NM_023110.3(FGFR1):c.335C>G (p.Thr112Ser)

Gene: FGFR1 (fibroblast growth factor receptor 1; minus strand). Cytogenetic location: 8p11.23.
Variant type: single nucleotide variant.
Coding change: c.335C>G on transcript NM_023110.3 (MANE Select); coding-DNA position 335, C replaced by G.
Protein change: p.Thr112Ser; replaces threonine 112 with serine.
Molecular consequence: missense variant. On other transcripts: intron variant (5).
Genome position (GRCh38, 1-based): chr8:38,429,705, G>C on the plus strand (C>G on the coding strand, the complement: FGFR1 is on the minus strand). VCF-style: chr8-38429705-G-C. GRCh37 (hg19) VCF-style: chr8-38287223-G-C.
Other names: c.335C>G, p.Thr112Ser (NM_000604.2, NM_001174063.2, NM_001174065.2 and 4 more transcripts); c.311C>G, p.Thr104Ser (NM_001174064.2); c.434C>G, p.Thr145Ser (NM_001174067.2); c.92-1270C>G (NM_001354368.2, NM_001354370.2, NM_023106.3 and 2 more transcripts); short protein forms T104S, T112S, T145S.
Identifiers: ClinVar variation 2949531 (VCV002949531.3), dbSNP rs2150955629, ClinGen allele CA370736171.

ClinVar aggregate classification (germline): Uncertain significance (1 of 4 stars; one submission).

Conditions:
Pfeiffer syndrome (ACS5). Also called: ACS V. Identifiers: Orphanet 710, MedGen C0220658, MONDO:0007043, OMIM 101600.
Hypogonadotropic hypogonadism 2 with or without anosmia (HH2). Also called: HYPOGONADOTROPIC HYPOGONADISM 2 WITH OR WITHOUT ANOSMIA, SUSCEPTIBILITY TO; HYPOGONADOTROPIC HYPOGONADISM 2 WITHOUT ANOSMIA; HYPOGONADOTROPIC HYPOGONADISM 2 WITHOUT ANOSMIA, SUSCEPTIBILITY TO; FGFR1-Related GnRH Deficiency (Kallmann Syndrome 2). Identifiers: Orphanet 478, MedGen C1563720, MONDO:0007844, OMIM 147950. Disease mechanism: loss of function.

Submission:

Labcorp Genetics (formerly Invitae), Labcorp
Classification: Uncertain significance for Pfeiffer syndrome; Hypogonadotropic hypogonadism 2 with or without anosmia. Last evaluated: 2023-08-08. Review status: criteria provided, single submitter. Criteria: Invitae Variant Classification Sherloc (09022015). Collection method: clinical testing. Allele origin: germline.
Comment: This sequence change replaces threonine, which is neutral and polar, with serine, which is neutral and polar, at codon 112 of the FGFR1 protein (p.Thr112Ser). In summary, the available evidence is currently insufficient to determine the role of this variant in disease. Therefore, it has been classified as a Variant of Uncertain Significance. Advanced modeling of protein sequence and biophysical properties (such as structural, functional, and spatial information, amino acid conservation, physicochemical variation, residue mobility, and thermodynamic stability) performed at Invitae indicates that this missense variant is not expected to disrupt FGFR1 protein function. This variant has not been reported in the literature in individuals affected with FGFR1-related conditions. This variant is not present in population databases (gnomAD no frequency).